The following is an entry in ClinVar:

ClinVar aggregate classification (germline): Uncertain significance (1 of 4 stars; one submission).

Conditions:
DYRK1A-related intellectual disability syndrome (MRD7). Also called: Intellectual developmental disorder, autosomal dominant 7; DYRK1A Syndrome. Identifiers: Orphanet 464306, MedGen C5568143, MONDO:0013578, OMIM 614104.

Allele frequency attached by ClinVar (database versions not stated): gnomAD exomes below 0.00001; gnomAD 0.00001; TOPMed 0.00001; ExAC 0.00002.
gnomAD v4.1: 6 of 1,614,030 alleles (0.00037%); highest among the groups gnomAD compares: African/African-American, 0.0027%; no homozygotes.

Submission:

Labcorp Genetics (formerly Invitae), Labcorp
Classification: Uncertain significance for DYRK1A-related intellectual disability syndrome. Last evaluated: 2023-10-05. Review status: criteria provided, single submitter. Criteria: Invitae Variant Classification Sherloc (09022015). Collection method: clinical testing. Allele origin: germline.
Comment: This sequence change replaces threonine, which is neutral and polar, with alanine, which is neutral and non-polar, at codon 571 of the DYRK1A protein (p.Thr571Ala). This variant is present in population databases (rs779796575, gnomAD 0.004%). This variant has not been reported in the literature in individuals affected with DYRK1A-related conditions. Advanced modeling of protein sequence and biophysical properties (such as structural, functional, and spatial information, amino acid conservation, physicochemical variation, residue mobility, and thermodynamic stability) performed at Invitae indicates that this missense variant is not expected to disrupt DYRK1A protein function. In summary, the available evidence is currently insufficient to determine the role of this variant in disease. Therefore, it has been classified as a Variant of Uncertain Significance.

NM_001347721.2(DYRK1A):c.1684A>G (p.Thr562Ala)

Gene: DYRK1A (dual specificity tyrosine phosphorylation regulated kinase 1A; plus strand). Cytogenetic location: 21q22.13.
Variant type: single nucleotide variant.
Coding change: c.1684A>G on transcript NM_001347721.2 (MANE Select); coding-DNA position 1684, A replaced by G.
Protein change: p.Thr562Ala; replaces threonine 562 with alanine.
Molecular consequence: missense variant. On other transcripts: 3 prime UTR variant (1).
Genome position (GRCh38, 1-based): chr21:37,511,950, A>G. VCF-style: chr21-37511950-A-G. GRCh37 (hg19) VCF-style: chr21-38884253-A-G.
Other names: c.1684A>G, p.Thr562Ala (NM_001347722.2, NM_130436.2); c.1597A>G, p.Thr533Ala (NM_001347723.2); c.1711A>G, p.Thr571Ala (NM_001396.5); c.*87A>G (NM_101395.2); c.1586A>G, p.His529Arg (NM_130438.2); short protein forms T571A, T533A, T562A, H529R.
Identifiers: ClinVar variation 2998998 (VCV002998998.3), dbSNP rs779796575, ClinGen allele CA10024079.
Genomic context (GRCh38, chr21:37,511,950, plus strand): 5'-TTTAAAAATCTGTTCTTTCAGGTGCGTCAGCAATTTCCTGCTCCTCTTGGTTGGTCAGGC[A>G]CTGAAGCTCCTACACAGGTCACTGTTGAAACTCATCCTGTTCAAGAAACAACCTTTCATG-3'
Protein context (NP_001334650.1, residues 552-572): QFPAPLGWSG[Thr562Ala]EAPTQVTVET